The following is an entry in ClinVar:

NM_018368.4(LMBRD1):c.151A>T (p.Ile51Phe)

Gene: LMBRD1 (LMBR1 domain containing 1; minus strand). Cytogenetic location: 6q13.
Variant type: single nucleotide variant.
Coding change: c.151A>T on transcript NM_018368.4 (MANE Select); coding-DNA position 151, A replaced by T.
Protein change: p.Ile51Phe; replaces isoleucine 51 with phenylalanine.
Molecular consequence: missense variant. On other transcripts: 5 prime UTR variant (3).
Genome position (GRCh38, 1-based): chr6:69,790,391, T>A on the plus strand (A>T on the coding strand, the complement: LMBRD1 is on the minus strand). VCF-style: chr6-69790391-T-A. GRCh37 (hg19) VCF-style: chr6-70500283-T-A.
Other names: c.-69A>T (NM_001363722.2, NM_001367271.1, NM_001367272.1); short protein forms I51F.
Identifiers: ClinVar variation 1393757 (VCV001393757.5), dbSNP rs758878362, ClinGen allele CA364803620.
Genomic context (GRCh38, chr6:69,790,391, plus strand): 5'-CCAAAAATATATCCACTGGTAGAAGTGCTGATGTGATAAGTGCAATTGCTAGAGAAAAAA[T>A]TGCTGTTATGGTGGAGACAACTTCACTTTCCCGCCGACTTTGGTATTTACGAACATATAT-3'
Protein context (NP_060838.3, residues 41-61): ESEVVSTITA[Ile51Phe]FSLAIALITS

ClinVar aggregate classification (germline): Uncertain significance (1 of 4 stars; one submission).

Conditions:
Methylmalonic aciduria and homocystinuria type cblF. Also called: COBALAMIN F DISEASE; COBALAMIN, DEFECT IN LYSOSOMAL RELEASE OF; METHYLMALONIC ACIDEMIA AND HOMOCYSTINURIA, cblF TYPE; METHYLMALONIC ACIDURIA DUE TO VITAMIN B12-RELEASE DEFECT; VITAMIN B12 LYSOSOMAL RELEASE DEFECT; VITAMIN B12 STORAGE DISEASE. Identifiers: Orphanet 79284, MedGen C1848578, MONDO:0010183, OMIM 277380.

gnomAD v4.1: 1 of 1,613,872 alleles (0.000062%); highest among the groups gnomAD compares: Non-Finnish European, 0.000085%; no homozygotes.

Submission:

Labcorp Genetics (formerly Invitae), Labcorp
Classification: Uncertain significance for Methylmalonic aciduria and homocystinuria type cblF. Last evaluated: 2021-08-27. Review status: criteria provided, single submitter. Criteria: Invitae Variant Classification Sherloc (09022015). Collection method: clinical testing. Allele origin: germline.
Comment: This sequence change replaces isoleucine with phenylalanine at codon 51 of the LMBRD1 protein (p.Ile51Phe). The isoleucine residue is highly conserved and there is a small physicochemical difference between isoleucine and phenylalanine. This variant is not present in population databases (ExAC no frequency). This variant has not been reported in the literature in individuals affected with LMBRD1-related conditions. Algorithms developed to predict the effect of missense changes on protein structure and function are either unavailable or do not agree on the potential impact of this missense change (SIFT: "Deleterious"; PolyPhen-2: "Probably Damaging"; Align-GVGD: "Class C15"). In summary, the available evidence is currently insufficient to determine the role of this variant in disease. Therefore, it has been classified as a Variant of Uncertain Significance.